The following is an entry in ClinVar:

ClinVar aggregate classification (germline): Uncertain significance (1 of 4 stars; one submission).

Allele frequency attached by ClinVar (database versions not stated): gnomAD exomes below 0.00001.
gnomAD v4.1: 2 of 1,614,198 alleles (0.00012%); highest among the groups gnomAD compares: Non-Finnish European, 0.00017%; no homozygotes.

Submission:

Dubai Health Genomic Medicine Center, Dubai Health
Classification: Uncertain significance. Last evaluated: 2020-01-02. Review status: criteria provided, single submitter. Criteria: ACMG Guidelines, 2015. Collection method: clinical testing. Allele origin: germline. Affected: yes.
Comment: The p.Ile156Thr missense variant in PHF21A has not been previously reported reported in affected individuals and is absent from large population studies such the Genome Aggregation Database (gnomAD) or the Greater Middle East (GME) Variome database. Conservation analysis and computational tools suggest an impact to protein function though this information is not predictive enough to confirm pathogenicity. In summary more information is needed to determine the clinical significance of this variant.

NM_001352027.3(PHF21A):c.467T>C (p.Ile156Thr)

Gene: PHF21A (PHD finger protein 21A; minus strand). Cytogenetic location: 11p11.2.
Variant type: single nucleotide variant.
Coding change: c.467T>C on transcript NM_001352027.3 (MANE Select); coding-DNA position 467, T replaced by C.
Protein change: p.Ile156Thr; replaces isoleucine 156 with threonine.
Molecular consequence: missense variant. On other transcripts: non-coding transcript variant (2).
Genome position (GRCh38, 1-based): chr11:45,971,261, A>G on the plus strand (T>C on the coding strand, the complement: PHF21A is on the minus strand). VCF-style: chr11-45971261-A-G. GRCh37 (hg19) VCF-style: chr11-45992812-A-G.
Other names: c.467T>C, p.Ile156Thr (NM_001352026.3, NM_001352028.1, NM_001352029.1 and 5 more transcripts); c.464T>C, p.Ile155Thr (NM_001352030.3); short protein forms I155T, I156T.
Identifiers: ClinVar variation 1301575 (VCV001301575.2), dbSNP rs2136079893, ClinGen allele CA380209746.